The following is an entry in ClinVar:

NM_001276345.2(TNNT2):c.814A>G (p.Asn272Asp)

Gene: TNNT2 (troponin T2, cardiac type; minus strand). Cytogenetic location: 1q32.1.
Variant type: single nucleotide variant.
Coding change: c.814A>G on transcript NM_001276345.2 (MANE Select); coding-DNA position 814, A replaced by G.
Protein change: p.Asn272Asp; replaces asparagine 272 with aspartic acid.
Molecular consequence: missense variant.
Genome position (GRCh38, 1-based): chr1:201,359,660, T>C on the plus strand (A>G on the coding strand, the complement: TNNT2 is on the minus strand). VCF-style: chr1-201359660-T-C. GRCh37 (hg19) VCF-style: chr1-201328788-T-C.
Other names: c.805A>G, p.Asn269Asp (NM_000364.4, NM_001406723.1); c.784A>G, p.Asn262Asp (NM_001001430.3, NM_001276347.2, NM_001406724.1); c.775A>G, p.Asn259Asp (NM_001001431.3, NM_001406726.1, NM_001406727.1); c.766A>G, p.Asn256Asp (NM_001001432.3); c.685A>G, p.Asn229Asp (NM_001276346.2); c.781A>G, p.Asn261Asp (NM_001406725.1); c.769A>G, p.Asn257Asp (NM_001406728.1); short protein forms N256D, N257D, N269D, N259D, N261D, N272D, N229D, N262D.
Identifiers: ClinVar variation 4783525 (VCV004783525.1).

ClinVar aggregate classification (germline): Uncertain significance (1 of 4 stars; one submission).

Conditions:
Cardiomyopathy, familial restrictive, 3. Identifiers: Orphanet 75249, MedGen C2676271, MONDO:0012900, OMIM 612422.
Hypertrophic cardiomyopathy 2. Also called: TNNT2-Related Familial Hypertrophic Cardiomyopathy. Identifiers: MedGen C1861864, MONDO:0007266, OMIM 115195.
Dilated cardiomyopathy 1D. Identifiers: Orphanet 154, Orphanet 54260, MedGen C1832243, MONDO:0011095, OMIM 601494.

gnomAD v4.1: 1 of 1,591,336 alleles (0.000063%); highest among the groups gnomAD compares: Non-Finnish European, 0.000086%; no homozygotes.

Submission:

Labcorp Genetics (formerly Invitae), Labcorp
Classification: Uncertain significance for Cardiomyopathy, familial restrictive, 3; Hypertrophic cardiomyopathy 2; Dilated cardiomyopathy 1D. Last evaluated: 2025-06-22. Review status: criteria provided, single submitter. Criteria: Invitae Variant Classification Sherloc (09022015). Collection method: clinical testing. Allele origin: germline.
Comment: This sequence change replaces asparagine, which is neutral and polar, with aspartic acid, which is acidic and polar, at codon 262 of the TNNT2 protein (p.Asn262Asp). This variant is not present in population databases (gnomAD no frequency). This missense change has been observed in individual(s) with hypertrophic cardiomyopathy (PMID: 23233322, 37652022). Invitae Evidence Modeling of protein sequence and biophysical properties (such as structural, functional, and spatial information, amino acid conservation, physicochemical variation, residue mobility, and thermodynamic stability) indicates that this missense variant is not expected to disrupt TNNT2 protein function with a negative predictive value of 80%. In summary, the available evidence is currently insufficient to determine the role of this variant in disease. Therefore, it has been classified as a Variant of Uncertain Significance.

Literature cited by the submitters: PubMed 23233322; PubMed 37652022.